The following is an entry in ClinVar:

NM_005751.5(AKAP9):c.2618A>G (p.Lys873Arg)

Gene: AKAP9 (A-kinase anchoring protein 9; plus strand). Cytogenetic location: 7q21.2.
Variant type: single nucleotide variant.
Coding change: c.2618A>G on transcript NM_005751.5 (MANE Select); coding-DNA position 2618, A replaced by G.
Protein change: p.Lys873Arg; replaces lysine 873 with arginine.
Molecular consequence: missense variant.
Genome position (GRCh38, 1-based): chr7:92,002,535, A>G. VCF-style: chr7-92002535-A-G. GRCh37 (hg19) VCF-style: chr7-91631849-A-G.
Other names: c.2618A>G, p.Lys873Arg (NM_147185.3); c.2618A>G (NM_005751.4); short protein forms K873R.
Identifiers: ClinVar variation 1005024 (VCV001005024.10), dbSNP rs746429266, ClinGen allele CA4336168.

ClinVar aggregate classification (germline): Conflicting classifications of pathogenicity. Review status: criteria provided, conflicting classifications (1 of 4 stars). 2 submissions from 2 submitters: Uncertain significance (1); Likely benign (1). Last evaluated 2025-05-18.

Conditions:
Cardiovascular phenotype. Identifiers: MedGen CN230736.
Long QT syndrome (LQTS). Identifiers: MedGen C0023976, MeSH D008133, MONDO:0002442. Disease mechanism: loss of function. Inheritance: Various modes of inheritance.

Allele frequency attached by ClinVar (database versions not stated): gnomAD 0.00001; TOPMed 0.00003.
gnomAD v4.1: 17 of 1,610,392 alleles (0.0011%); highest among the groups gnomAD compares: Admixed American, 0.018%; no homozygotes.

Submissions (2):

Labcorp Genetics (formerly Invitae), Labcorp
Classification: Uncertain significance for Long QT syndrome. Last evaluated: 2025-05-18. Review status: criteria provided, single submitter. Criteria: Invitae Variant Classification Sherloc (09022015). Collection method: clinical testing. Allele origin: germline.
Comment: This sequence change replaces lysine, which is basic and polar, with arginine, which is basic and polar, at codon 873 of the AKAP9 protein (p.Lys873Arg). This variant is present in population databases (rs746429266, gnomAD 0.02%). This variant has not been reported in the literature in individuals affected with AKAP9-related conditions. ClinVar contains an entry for this variant (Variation ID: 1005024). An algorithm developed to predict the effect of missense changes on protein structure and function outputs the following: PolyPhen-2: "Benign". The arginine amino acid residue is found in multiple mammalian species, which suggests that this missense change does not adversely affect protein function. In summary, the available evidence is currently insufficient to determine the role of this variant in disease. Therefore, it has been classified as a Variant of Uncertain Significance.

Ambry Genetics
Classification: Likely benign for Cardiovascular phenotype. Last evaluated: 2023-08-08. Review status: criteria provided, single submitter. Criteria: Ambry Variant Classification Scheme 2023. Collection method: clinical testing. Allele origin: germline.